The following is an entry in ClinVar:

ClinVar aggregate classification (germline): Conflicting classifications of pathogenicity. Review status: criteria provided, conflicting classifications (1 of 4 stars). 7 submissions from 7 submitters: Pathogenic (1); Likely pathogenic (1); Uncertain significance (3). 2 of the submissions do not count toward it. Last evaluated 2025-10-02.

Conditions:
Retinitis pigmentosa 12 (RP12). Also called: RP WITH OR WITHOUT PRESERVED PARAARTERIOLE RETINAL PIGMENT EPITHELIUM; RETINITIS PIGMENTOSA WITH OR WITHOUT PARAARTERIOLAR PRESERVATION OF RETINAL PIGMENT EPITHELIUM; RP WITH OR WITHOUT PPRPE. Identifiers: Orphanet 791, MedGen C1838647, MONDO:0010818, OMIM 600105.
Leber congenital amaurosis 8 (LCA8). Identifiers: Orphanet 65, MedGen C3151202, MONDO:0013453, OMIM 613835.
Pigmented paravenous retinochoroidal atrophy. Identifiers: Orphanet 251295, MedGen C1868310, MONDO:0008246, OMIM 172870.
Leber congenital amaurosis (LCA). Also called: Leber's amaurosis. Identifiers: Orphanet 65, MedGen C0339527, MeSH D057130, MONDO:0018998.
CRB1-related disorder. Also called: CRB1-related condition; CRB1-related disorders.
Inborn genetic diseases. Identifiers: MedGen C0950123, MeSH D030342.

Allele frequency attached by ClinVar (database versions not stated): TOPMed 0.00001.
gnomAD v4.1: 56 of 1,613,932 alleles (0.0035%); highest among the groups gnomAD compares: Non-Finnish European, 0.0046%; no homozygotes.

Submissions (7):

Ambry Genetics
Classification: Uncertain significance for Inborn genetic diseases. Last evaluated: 2025-10-02. Review status: criteria provided, single submitter. Criteria: Ambry Variant Classification Scheme 2023. Collection method: clinical testing. Allele origin: germline.

PreventionGenetics, part of Exact Sciences
Classification: Uncertain significance for CRB1-related condition. Last evaluated: 2025-09-25. Review status: criteria provided, single submitter. Criteria: ACMG Guidelines, 2015. Collection method: clinical testing. Allele origin: germline.
Comment: The CRB1 c.2272A>T variant is predicted to result in the amino acid substitution p.Ser758Cys. To our knowledge, this variant has not been reported in the literature. This variant is reported in 0.0035% of alleles in individuals of European (Non-Finnish) descent in gnomAD. At this time, the clinical significance of this variant is uncertain due to the absence of conclusive functional and genetic evidence.

Fulgent Genetics
Classification: Likely pathogenic for Pigmented paravenous retinochoroidal atrophy; Retinitis pigmentosa 12; Leber congenital amaurosis 8. Last evaluated: 2024-06-25. Review status: criteria provided, single submitter. Criteria: ACMG Guidelines, 2015. Collection method: clinical testing. Allele origin: germline.

Labcorp Genetics (formerly Invitae), Labcorp
Classification: Pathogenic for Leber congenital amaurosis 8; Retinitis pigmentosa 12. Last evaluated: 2024-02-06. Review status: criteria provided, single submitter. Criteria: Invitae Variant Classification Sherloc (09022015). Collection method: clinical testing. Allele origin: germline.
Comment: This sequence change replaces serine, which is neutral and polar, with cysteine, which is neutral and slightly polar, at codon 758 of the CRB1 protein (p.Ser758Cys). This variant is present in population databases (rs201700675, gnomAD 0.004%). This missense change has been observed in individual(s) with CRB1-related conditions (Invitae). In at least one individual the data is consistent with being in trans (on the opposite chromosome) from a pathogenic variant. ClinVar contains an entry for this variant (Variation ID: 290001). Advanced modeling of protein sequence and biophysical properties (such as structural, functional, and spatial information, amino acid conservation, physicochemical variation, residue mobility, and thermodynamic stability) performed at Invitae indicates that this missense variant is expected to disrupt CRB1 protein function with a positive predictive value of 80%. For these reasons, this variant has been classified as Pathogenic.

Blueprint Genetics
Classification: Uncertain significance. Last evaluated: 2022-06-06. Review status: criteria provided, single submitter. Criteria: ACMG Guidelines, 2015. Collection method: clinical testing. Allele origin: germline.

Natera, Inc.
Classification: Likely pathogenic for Leber congenital amaurosis. Last evaluated: 2025-08-13. Review status: no assertion criteria provided. Collection method: clinical testing. Allele origin: germline. Not counted in ClinVar's aggregate classification.

Eurofins Ntd Llc (ga)
Classification: Uncertain significance. Last evaluated: 2016-09-08. Review status: flagged submission. Criteria: EGL Classification Definitions 2015. Collection method: clinical testing. Allele origin: germline. Observed: 1 variant allele, 1 heterozygote. Not counted in ClinVar's aggregate classification.
ClinVar note: Reason: Older claim that does not account for recent evidence

NM_201253.3(CRB1):c.2272A>T (p.Ser758Cys)

Gene: CRB1 (crumbs cell polarity complex component 1; plus strand). Cytogenetic location: 1q31.3.
Variant type: single nucleotide variant.
Coding change: c.2272A>T on transcript NM_201253.3 (MANE Select); coding-DNA position 2272, A replaced by T.
Protein change: p.Ser758Cys; replaces serine 758 with cysteine.
Molecular consequence: missense variant. On other transcripts: non-coding transcript variant (2), intron variant (1).
Genome position (GRCh38, 1-based): chr1:197,427,597, A>T. VCF-style: chr1-197427597-A-T. GRCh37 (hg19) VCF-style: chr1-197396727-A-T.
Other names: c.1936A>T, p.Ser646Cys (NM_001193640.2); c.2065A>T, p.Ser689Cys (NM_001257965.2); c.2128+5641A>T (NM_001257966.2); short protein forms S758C, S646C, S689C.
Identifiers: ClinVar variation 290001 (VCV000290001.16), dbSNP rs201700675, ClinGen allele CA1312087.
Genomic context (GRCh38, chr1:197,427,597, plus strand): 5'-AGCCTCTCCATGTTTGTCCGAACGCTTCAACCATCAGGCTTACTTCTAGCTTTGGAAAAC[A>T]GCACTTATCAATATATCCGTGTCTGGCTAGAGCGCGGCAGACTAGCAATGCTGACTCCAA-3'
Protein context (NP_957705.1, residues 748-768): PSGLLLALEN[Ser758Cys]TYQYIRVWLE